The following is an entry in ClinVar:

ClinVar aggregate classification (germline): Pathogenic (1 of 4 stars; one submission).

Submission:

Labcorp Genetics (formerly Invitae), Labcorp
Classification: Pathogenic. Last evaluated: 2022-06-16. Review status: criteria provided, single submitter. Criteria: Invitae Variant Classification Sherloc (09022015). Collection method: clinical testing. Allele origin: germline.
Comment: A gross deletion of the genomic region encompassing the full coding sequence of the SLC39A4 gene has been identified. Loss-of-function variants in SLC39A4 are known to be pathogenic (PMID: 12955721). The boundaries of this event are unknown as they extend beyond the assayed region for this gene and therefore may encompass additional genes. This variant has not been reported in the literature in individuals affected with SLC39A4-related conditions. For these reasons, this variant has been classified as Pathogenic.

Literature cited by the submitters: PubMed 12955721.

NC_000008.10:g.(?_145637954)_(145644386_?)del

Gene: SLC39A4 (solute carrier family 39 member 4; minus strand). Cytogenetic location: 8q24.3.
Variant type: Deletion.
Identifiers: ClinVar variation 2427205 (VCV002427205.3).